The following is an entry in ClinVar:

ClinVar aggregate classification (germline): Benign/Likely benign. Review status: criteria provided, multiple submitters, no conflicts (2 of 4 stars). 4 submissions from 4 submitters: Benign (3); Likely benign (1). Last evaluated 2026-01-20.

Conditions:
Symmetrical dyschromatosis of extremities (DSH). Also called: RETICULATE ACROPIGMENTATION OF DOHI; SYMMETRIC DYSCHROMATOSIS OF THE EXTREMITIES; DYSCHROMATOSIS SYMMETRICA HEREDITARIA 1; Dyschromatosis symmetrica hereditaria. Identifiers: Orphanet 41, MedGen C0406775, MONDO:0007483, OMIM 127400.
Aicardi-Goutieres syndrome 6 (AGS6). Identifiers: Orphanet 51, MedGen C3539013, MONDO:0014007, OMIM 615010.

Allele frequency attached by ClinVar (database versions not stated): gnomAD 0.00012 and 0.00014; TOPMed 0.00014; ESP Exome Variant Server 0.00023; ExAC 0.00026; gnomAD exomes 0.00026.
gnomAD v4.1: 216 of 1,613,568 alleles (0.013%); highest among the groups gnomAD compares: Middle Eastern, 0.033%; 2 homozygotes.

Submissions (4):

Labcorp Genetics (formerly Invitae), Labcorp
Classification: Benign for Aicardi-Goutieres syndrome 6; Symmetrical dyschromatosis of extremities. Last evaluated: 2026-01-20. Review status: criteria provided, single submitter. Criteria: Invitae Variant Classification Sherloc (09022015). Collection method: clinical testing. Allele origin: germline.

Blueprint Genetics
Classification: Likely benign. Last evaluated: 2024-10-07. Review status: criteria provided, single submitter. Criteria: ACMG Guidelines, 2015. Collection method: clinical testing. Allele origin: germline.

Genome-Nilou Lab
Classification: Benign for Aicardi-Goutieres syndrome 6. Last evaluated: 2023-04-11. Review status: criteria provided, single submitter. Criteria: ACMG Guidelines, 2015. Collection method: clinical testing. Allele origin: germline. Affected: no.

Illumina Laboratory Services, Illumina
Classification: Benign for Symmetrical dyschromatosis of extremities. Last evaluated: 2018-01-13. Review status: criteria provided, single submitter. Criteria: ICSL Variant Classification Criteria 13 December 2019. Collection method: clinical testing. Allele origin: germline.
Comment: This variant was observed in the ICSL laboratory as part of a predisposition screen in an ostensibly healthy population. It had not been previously curated by ICSL or reported in the Human Gene Mutation Database (HGMD: prior to June 1st, 2018), and was therefore a candidate for classification through an automated scoring system. Utilizing variant allele frequency, disease prevalence and penetrance estimates, and inheritance mode, an automated score was calculated to assess if this variant is too frequent to cause the disease. Based on the score and internal cut-off values, a variant classified as benign is not then subjected to further curation. The score for this variant resulted in a classification of benign for this disease.

NM_001111.5(ADAR):c.2497-15C>T

Gene: ADAR (adenosine deaminase RNA specific; minus strand). Cytogenetic location: 1q21.3.
Variant type: single nucleotide variant.
Coding change: c.2497-15C>T on transcript NM_001111.5 (MANE Select); 15 bases into the intron before coding-DNA position 2497, C replaced by T.
Molecular consequence: intron variant.
Genome position (GRCh38, 1-based): chr1:154,589,943, G>A on the plus strand (C>T on the coding strand, the complement: ADAR is on the minus strand). VCF-style: chr1-154589943-G-A. GRCh37 (hg19) VCF-style: chr1-154562419-G-A.
Other names: c.1612-15C>T (NM_001365046.1, NM_001025107.3, NM_001365048.1 and 2 more transcripts); c.2524-15C>T (NM_001365045.1); c.1534-15C>T (NM_001365049.1); c.2362-15C>T (NM_015841.4); c.2419-15C>T (NM_015840.4).
Identifiers: ClinVar variation 875378 (VCV000875378.13), dbSNP rs113249520, ClinGen allele CA1131235.